The following is an entry in ClinVar:

ClinVar aggregate classification (germline): Uncertain significance (1 of 4 stars; one submission).

Conditions:
Dyskeratosis congenita. Identifiers: Orphanet 1775, MedGen C0265965, MONDO:0015780.

Submission:

Ambry Genetics
Classification: Uncertain significance for Dyskeratosis congenita. Last evaluated: 2025-04-01. Review status: criteria provided, single submitter. Criteria: Ambry Variant Classification Scheme 2023. Collection method: clinical testing. Allele origin: germline.
Comment: The p.P259R variant (also known as c.776C>G), located in coding exon 2 of the TERT gene, results from a C to G substitution at nucleotide position 776. The proline at codon 259 is replaced by arginine, an amino acid with dissimilar properties. This amino acid position is conserved. In addition, this alteration is predicted to be tolerated by in silico analysis. Based on the available evidence, the clinical significance of this variant remains unclear.

NM_198253.3(TERT):c.776C>G (p.Pro259Arg)

Gene: TERT (telomerase reverse transcriptase; minus strand). Cytogenetic location: 5p15.33.
Variant type: single nucleotide variant.
Coding change: c.776C>G on transcript NM_198253.3 (MANE Select); coding-DNA position 776, C replaced by G.
Protein change: p.Pro259Arg; replaces proline 259 with arginine.
Molecular consequence: missense variant. On other transcripts: non-coding transcript variant (2).
Genome position (GRCh38, 1-based): chr5:1,294,110, G>C on the plus strand (C>G on the coding strand, the complement: TERT is on the minus strand). VCF-style: chr5-1294110-G-C. GRCh37 (hg19) VCF-style: chr5-1294225-G-C.
Other names: c.776C>G, p.Pro259Arg (NM_001193376.3); short protein forms P259R.
Identifiers: ClinVar variation 3967340 (VCV003967340.1).
Genomic context (GRCh38, chr5:1,294,110, plus strand): 5'-GCGGGTCTGGCAGGTGACACCACACAGAAACCACGGTCACTCGGTCCACGCGTCCTGCCC[G>C]GGTGGGCCCAGGACCCCTGCCCAACGGGCGTCCGCTCCGGCTCAGGGGCAGCGCCACGCC-3'
Protein context (NP_937983.2, residues 249-269): TPVGQGSWAH[Pro259Arg]GRTRGPSDRG